The following is an entry in ClinVar:

ClinVar aggregate classification (germline): Uncertain significance. Review status: criteria provided, multiple submitters, no conflicts (2 of 4 stars). 2 submissions from 2 submitters: Uncertain significance (2). Last evaluated 2026-03-21.

Conditions:
Inborn genetic diseases. Identifiers: MedGen C0950123, MeSH D030342.

Submissions (2):

Ambry Genetics
Classification: Uncertain significance for Inborn genetic diseases. Last evaluated: 2026-03-21. Review status: criteria provided, single submitter. Criteria: Ambry Variant Classification Scheme 2023. Collection method: clinical testing. Allele origin: germline.
Comment: The p.H169R variant (also known as c.506A>G), located in coding exon 4 of the MRAS gene, results from an A to G substitution at nucleotide position 506. The histidine at codon 169 is replaced by arginine, an amino acid with highly similar properties. This amino acid position is conserved. In addition, the in silico prediction for this alteration is inconclusive. Based on the available evidence, the clinical significance of this variant remains unclear.

Labcorp Genetics (formerly Invitae), Labcorp
Classification: Uncertain significance. Last evaluated: 2023-04-05. Review status: criteria provided, single submitter. Criteria: Invitae Variant Classification Sherloc (09022015). Collection method: clinical testing. Allele origin: germline.
Comment: An algorithm developed to predict the effect of missense changes on protein structure and function (PolyPhen-2) suggests that this variant is likely to be disruptive. In summary, the available evidence is currently insufficient to determine the role of this variant in disease. Therefore, it has been classified as a Variant of Uncertain Significance. This variant has not been reported in the literature in individuals affected with MRAS-related conditions. This variant is not present in population databases (gnomAD no frequency). This sequence change replaces histidine, which is basic and polar, with arginine, which is basic and polar, at codon 169 of the MRAS protein (p.His169Arg).

NM_001085049.3(MRAS):c.506A>G (p.His169Arg)

Gene: MRAS (muscle RAS oncogene homolog; plus strand). Cytogenetic location: 3q22.3.
Variant type: single nucleotide variant.
Coding change: c.506A>G on transcript NM_001085049.3 (MANE Select); coding-DNA position 506, A replaced by G.
Protein change: p.His169Arg; replaces histidine 169 with arginine.
Molecular consequence: missense variant.
Genome position (GRCh38, 1-based): chr3:138,400,592, A>G. VCF-style: chr3-138400592-A-G. GRCh37 (hg19) VCF-style: chr3-138119434-A-G.
Other names: c.506A>G (NM_012219.3); c.506A>G, p.His169Arg (NM_001252090.2, NM_012219.4); c.278A>G, p.His93Arg (NM_001252091.1, NM_001252092.2, NM_001252093.2); short protein forms H93R, H169R.
Identifiers: ClinVar variation 2779328 (VCV002779328.4), dbSNP rs2474164188, ClinGen allele CA354677075.
Genomic context (GRCh38, chr3:138,400,592, plus strand): 5'-AGATTCCGTACATAGAAACCAGTGCCAAGGACCCACCTCTCAATGTCGACAAAGCCTTCC[A>G]TGACCTCGTTAGAGTAATTAGGTGAGCACTGCCCTCTCCCTAGAAGCGGGCCTCCACAGC-3'
Protein context (NP_001078518.1, residues 159-179): DPPLNVDKAF[His169Arg]DLVRVIRQQI